The following is an entry in ClinVar:

ClinVar aggregate classification (germline): Uncertain significance (1 of 4 stars; one submission).

Conditions:
Idiopathic generalized epilepsy. Also called: EIG; Generalised epilepsy. Identifiers: MedGen C0270850, MONDO:0005579, OMIM 600669.

Submission:

Labcorp Genetics (formerly Invitae), Labcorp
Classification: Uncertain significance for Idiopathic generalized epilepsy. Last evaluated: 2023-01-15. Review status: criteria provided, single submitter. Criteria: Invitae Variant Classification Sherloc (09022015). Collection method: clinical testing. Allele origin: germline.
Comment: This variant has not been reported in the literature in individuals affected with GABRD-related conditions. The frequency data for this variant in the population databases is considered unreliable, as metrics indicate insufficient coverage at this position in the gnomAD database. This sequence change replaces glutamine, which is neutral and polar, with lysine, which is basic and polar, at codon 17 of the GABRD protein (p.Gln17Lys). Algorithms developed to predict the effect of missense changes on protein structure and function are either unavailable or do not agree on the potential impact of this missense change (SIFT: "Tolerated"; PolyPhen-2: "Not Available"; Align-GVGD: "Class C0"). In summary, the available evidence is currently insufficient to determine the role of this variant in disease. Therefore, it has been classified as a Variant of Uncertain Significance.

NM_000815.5(GABRD):c.49C>A (p.Gln17Lys)

Gene: GABRD (gamma-aminobutyric acid type A receptor subunit delta; plus strand). Cytogenetic location: 1p36.33.
Variant type: single nucleotide variant.
Coding change: c.49C>A on transcript NM_000815.5 (MANE Select); coding-DNA position 49, C replaced by A.
Protein change: p.Gln17Lys; replaces glutamine 17 with lysine.
Molecular consequence: missense variant.
Genome position (GRCh38, 1-based): chr1:2,019,472, C>A. VCF-style: chr1-2019472-C-A. GRCh37 (hg19) VCF-style: chr1-1950911-C-A.
Other names: short protein forms Q17K.
Identifiers: ClinVar variation 2828815 (VCV002828815.3), dbSNP rs1658715179, ClinGen allele CA337953775.